The following is an entry in ClinVar:

NM_130837.3(OPA1):c.2966A>G (p.Gln989Arg)

Gene: OPA1 (OPA1 mitochondrial dynamin like GTPase; plus strand). Cytogenetic location: 3q29.
Variant type: single nucleotide variant.
Coding change: c.2966A>G on transcript NM_130837.3 (MANE Select); coding-DNA position 2966, A replaced by G.
Protein change: p.Gln989Arg; replaces glutamine 989 with arginine.
Molecular consequence: missense variant.
Genome position (GRCh38, 1-based): chr3:193,667,263, A>G. VCF-style: chr3-193667263-A-G. GRCh37 (hg19) VCF-style: chr3-193385052-A-G.
Other names: c.2432A>G, p.Gln811Arg (NM_001354663.2); c.2429A>G, p.Gln810Arg (NM_001354664.2); c.2801A>G, p.Gln934Arg (NM_015560.3); c.2693A>G, p.Gln898Arg (NM_130831.3); c.2747A>G, p.Gln916Arg (NM_130832.3); c.2804A>G, p.Gln935Arg (NM_130833.3); c.2855A>G, p.Gln952Arg (NM_130834.3); c.2858A>G, p.Gln953Arg (NM_130835.3); and 1 more; short protein forms Q810R, Q916R, Q952R, Q934R, Q935R, Q971R, Q953R, Q811R.
Identifiers: ClinVar variation 1914257 (VCV001914257.7), dbSNP rs756937966, ClinGen allele CA2759787.

ClinVar aggregate classification (germline): Uncertain significance. Review status: criteria provided, multiple submitters, no conflicts (2 of 4 stars). 3 submissions from 3 submitters: Uncertain significance (3). Last evaluated 2026-02-08.

Conditions:
OPA1-related disorder. Also called: OPA1-related disorders; OPA1-related condition.
Inborn genetic diseases. Identifiers: MedGen C0950123, MeSH D030342.

Allele frequency attached by ClinVar (database versions not stated): gnomAD exomes below 0.00001; gnomAD 0.00001; ExAC 0.00002.
gnomAD v4.1: 4 of 1,576,718 alleles (0.00025%); highest among the groups gnomAD compares: East Asian, 0.009%; no homozygotes.

Submissions (3):

PreventionGenetics, part of Exact Sciences
Classification: Uncertain significance for OPA1-related condition. Last evaluated: 2026-02-08. Review status: criteria provided, single submitter. Criteria: ACMG Guidelines, 2015. Collection method: clinical testing. Allele origin: germline.
Comment: The OPA1 c.2966A>G variant is predicted to result in the amino acid substitution p.Gln989Arg. To our knowledge, this variant has not been reported in the literature. This variant is reported in 0.035% of alleles in individuals of East Asian descent in gnomAD. At this time, the clinical significance of this variant is uncertain due to the absence of conclusive functional and genetic evidence.

Labcorp Genetics (formerly Invitae), Labcorp
Classification: Uncertain significance. Last evaluated: 2025-02-10. Review status: criteria provided, single submitter. Criteria: Invitae Variant Classification Sherloc (09022015). Collection method: clinical testing. Allele origin: germline.
Comment: This sequence change replaces glutamine, which is neutral and polar, with arginine, which is basic and polar, at codon 934 of the OPA1 protein (p.Gln934Arg). This variant is present in population databases (rs756937966, gnomAD 0.04%). This variant has not been reported in the literature in individuals affected with OPA1-related conditions. ClinVar contains an entry for this variant (Variation ID: 1914257). Invitae Evidence Modeling of protein sequence and biophysical properties (such as structural, functional, and spatial information, amino acid conservation, physicochemical variation, residue mobility, and thermodynamic stability) indicates that this missense variant is not expected to disrupt OPA1 protein function with a negative predictive value of 80%. In summary, the available evidence is currently insufficient to determine the role of this variant in disease. Therefore, it has been classified as a Variant of Uncertain Significance.

Ambry Genetics
Classification: Uncertain significance for Inborn genetic diseases. Last evaluated: 2024-03-29. Review status: criteria provided, single submitter. Criteria: Ambry Variant Classification Scheme 2023. Collection method: clinical testing. Allele origin: germline.